The following is an entry in ClinVar:

NM_001009944.3(PKD1):c.7288C>T (p.Arg2430Ter)

Gene: PKD1 (polycystin 1, transient receptor potential channel interacting; minus strand). Cytogenetic location: 16p13.3.
Variant type: single nucleotide variant.
Coding change: c.7288C>T on transcript NM_001009944.3 (MANE Select); coding-DNA position 7288, C replaced by T.
Protein change: p.Arg2430Ter; replaces arginine 2430 with a stop codon.
Molecular consequence: nonsense.
Genome position (GRCh38, 1-based): chr16:2,106,599, G>A on the plus strand (C>T on the coding strand, the complement: PKD1 is on the minus strand). VCF-style: chr16-2106599-G-A. GRCh37 (hg19) VCF-style: chr16-2156600-G-A.
Other names: c.7288C>T, p.Arg2430Ter (NM_000296.4); c.7288C>T (NM_000296.3); short protein forms R2430*.
Identifiers: ClinVar variation 562262 (VCV000562262.25), dbSNP rs2432403, ClinGen allele CA276779725.

ClinVar aggregate classification (germline): Pathogenic. Review status: criteria provided, multiple submitters, no conflicts (2 of 4 stars). 16 submissions from 16 submitters: Pathogenic (14). 2 of the submissions do not count toward it. Last evaluated 2026-06-17.

Conditions:
Autosomal dominant polycystic kidney disease. Identifiers: Orphanet 730, MedGen C0085413, MONDO:0004691.
Polycystic kidney disease, adult type (PKD1). Also called: POLYCYSTIC KIDNEY DISEASE, ADULT, TYPE I; Polycystic Kidney, Autosomal Dominant; POLYCYSTIC KIDNEY DISEASE 1 WITH OR WITHOUT POLYCYSTIC LIVER DISEASE; Polycystic Kidney Disease 1, Autosomal Dominant; Polycystic kidney disease 1; Polycystic kidney disease 1, severe. Identifiers: MedGen C3149841, MONDO:0008263, OMIM 173900.
PKD1-related disorder. Also called: PKD1-related condition.
Polycystic kidney disease. Also called: Polycystic kidney dysplasia; Kidney, Polycystic. Identifiers: MedGen C0022680, MeSH D007690, MONDO:0020642, HP:0000113.

gnomAD v4.1: 2 of 1,598,092 alleles (0.00013%); highest among the groups gnomAD compares: Non-Finnish European, 0.00017%; no homozygotes.

Submissions 1 to 12 of 16:

PreventionGenetics, part of Exact Sciences
Classification: Pathogenic for PKD1-related condition. Last evaluated: 2026-06-17. Review status: criteria provided, single submitter. Criteria: ACMG Guidelines, 2015. Collection method: clinical testing. Allele origin: germline.
Comment: The PKD1 c.7288C>T variant is predicted to result in premature protein termination (p.Arg2430*). This variant has been reported to be pathogenic for autosomal dominant polycystic kidney disease (ADPKD) (see for example, Supp. Table S4 of Audrézet et al. 2012. PubMed ID: 22508176). This variant has not been reported in a large population database (gnomAD), indicating this variant is rare. Nonsense variants in PKD1 are expected to be pathogenic. This variant is interpreted as pathogenic.

Dasa
Classification: Pathogenic for Polycystic kidney disease, adult type. Last evaluated: 2026-04-27. Review status: criteria provided, single submitter. Criteria: DASA Assertion Criteria. Collection method: clinical testing. Allele origin: germline.
Comment: NM_001009944.3(PKD1):c.7288C>T (p.Arg2430*) introduces a premature termination codon predicted to result in loss of normal protein function. Loss-of-function is an established mechanism of disease for this gene. Segregation evidence has been reported in affected families. This variant has been recurrently observed in individuals with Polycystic kidney disease, adult type (PMID: 33102977; PMID: 40225921; PMID: 11012875). The variant is present at low frequency in population datasets. Based on the available data, this variant is classified as pathogenic.

Victorian Clinical Genetics Services, Murdoch Childrens Research Institute
Classification: Pathogenic for Polycystic kidney disease, adult type. Last evaluated: 2026-04-13. Review status: criteria provided, single submitter. Criteria: ACMG Guidelines, 2015. Collection method: clinical testing. Allele origin: germline. Affected: yes.
Comment: This variant is classified as Pathogenic. Evidence in support of pathogenic classification: Variant is predicted to cause nonsense-mediated decay (NMD) and loss of protein (premature termination codon is located at least 54 nucleotides upstream of the final exon-exon junction); Variant is present in gnomAD (v4) <0.001 for a dominant condition (2 heterozygotes, 0 homozygotes); This variant has strong previous evidence of pathogenicity in unrelated individuals. This variant has been reported as pathogenic in several individuals with ADPKD (ClinVar); Many other NMD-predicted variants comparable to the one identified in this case have very strong previous evidence for pathogenicity (DECIPHER). Additional information: This variant is heterozygous; This gene is associated with autosomal dominant disease. Polycystic kidney disease 1 (MIM#173900) is predominantly caused by monoallelic variants, with rare reports of biallelic variants causing disease (OMIM); Loss of function is a known mechanism of disease in this gene and is associated with polycystic kidney disease 1 (MIM#173900); Inheritance information for this variant is not currently available in this individual.

Medical and Scientific Branch, Hong Kong Genome Institute
Classification: Pathogenic for Polycystic kidney disease, adult type. Last evaluated: 2025-12-11. Review status: criteria provided, single submitter. Criteria: ACMG Guidelines, 2015. Collection method: clinical testing. Allele origin: germline. Affected: yes.

Women's Health and Genetics/Laboratory Corporation of America, LabCorp
Classification: Pathogenic for Polycystic kidney disease, adult type. Last evaluated: 2025-09-09. Review status: criteria provided, single submitter. Criteria: LabCorp Variant Classification Summary - May 2015. Collection method: clinical testing. Allele origin: germline.
Comment: Variant summary: PKD1 c.7288C>T (p.Arg2430X) results in a premature termination codon, predicted to cause absence of the protein due to nonsense mediated decay, which is a commonly known mechanism for disease. The variant was absent in 234916 control chromosomes. c.7288C>T has been observed in individual(s) affected with Polycystic Kidney Disease 1 (examples, Losekoot_2020, Phakdeekitcharoen_2000). These data indicate that the variant may be associated with disease. To our knowledge, no experimental evidence demonstrating an impact on protein function has been reported. The following publications have been ascertained in the context of this evaluation (PMID: 33102977, 11012875). ClinVar contains an entry for this variant (Variation ID: 562262). Based on the evidence outlined above, the variant was classified as pathogenic.

Genetic Services Laboratory, University of Chicago
Classification: Pathogenic. Last evaluated: 2025-08-19. Review status: criteria provided, single submitter. Criteria: ACMG Guidelines, 2015. Collection method: clinical testing. Allele origin: germline.
Comment: The c.7288C>T variant: Results in creation of a premature stop codon at amino acid position 2430, p.Arg2430*. Is predicted to result in an abnormal transcript, which may be degraded, or may lead to the production of a truncated PKD1 protein with potential abnormal function. o;Loss of function mutations are a known mechanism for disease in PKD1-related disorder (PMID: 38194940). Has been previously described in multiple unrelated individuals with PKD1-related disorders (PMID: 22185115, 22383692, 17582161, 11115377, 11012875, 22508176, 17574468). This variant has been shown to segregate with disease in at least one of these families PMID: 11012875). Is reported in the gnomAD v4 database with a frequency of 0.0001% in the European (non-Finnish) subpopulation (dbSNP rs2432403). ClinVar contains an entry for this variant (Variation ID: 562262). Collectively, this evidence indicates that this variant is pathogenic, however functional studies have not been performed to prove this conclusively.

Variantyx, Inc.
Classification: Pathogenic for Polycystic kidney disease, adult type. Last evaluated: 2025-07-03. Review status: criteria provided, single submitter. Criteria: Variantyx Assertion Criteria 2022. Collection method: clinical testing. Allele origin: germline. Inheritance: Autosomal dominant inheritance. Affected: yes.
Comment: This is a nonsense variant in the PKD1 gene (OMIM: 601313). Pathogenic variants in this gene have been associated with autosomal dominant polycystic kidney disease 1. This variant introduces a premature termination codon in exon 18 out of 46 and is expected to result in loss of function, which is a known disease mechanism for PKD1 in this disorder (PMID: 20301424) (PVS1). This variant has been reported in several unrelated affected individuals (PMID: 11012875, 27782177, 30586318, 36186434, 31056860, 21551026) (PS4_Moderate). It has a 0.0002% maximum allele frequency in non-founder control populations (PM2). Based on the current evidence, this variant is classified as pathogenic for autosomal dominant polycystic kidney disease 1.

3billion
Classification: Pathogenic for Polycystic kidney disease, adult type. Last evaluated: 2024-10-31. Review status: criteria provided, single submitter. Criteria: ACMG Guidelines, 2015. Collection method: clinical testing. Allele origin: germline. Affected: yes.
Comment: The variant is observed at an extremely low frequency in the gnomAD v4.1.0 dataset (total allele frequency: <0.001%). Predicted Consequence/Location: Stop-gained (nonsense): predicted to result in a loss or disruption of normal protein function through nonsense-mediated decay (NMD) or protein truncation. Multiple pathogenic variants are reported downstream of the variant. The variant has been reported at least twice as pathogenic with clinical assertions and evidence for the classification (ClinVar ID: VCV000562262 /PMID: 11012875 /3billion dataset). Therefore, this variant is classified as Pathogenic according to the recommendation of ACMG/AMP guideline.

Blueprint Genetics
Classification: Pathogenic for PKD1-related disorders. Last evaluated: 2024-08-09. Review status: criteria provided, single submitter. Criteria: ACMG Guidelines, 2015. Collection method: clinical testing. Allele origin: germline. Affected: yes. Observed: 5 variant alleles.

Fulgent Genetics
Classification: Pathogenic for Polycystic kidney disease, adult type. Last evaluated: 2024-03-23. Review status: criteria provided, single submitter. Criteria: ACMG Guidelines, 2015. Collection method: clinical testing. Allele origin: germline.

Athena Diagnostics
Classification: Pathogenic. Last evaluated: 2023-11-03. Review status: criteria provided, single submitter. Criteria: Athena Diagnostics Criteria. Collection method: clinical testing. Allele origin: unknown.
Comment: This variant is expected to result in the loss of a functional protein. This variant has been identified in multiple unrelated individuals with clinical features associated with this gene. This variant has not been reported in large, multi-ethnic general populations.

GeneDx
Classification: Pathogenic. Last evaluated: 2023-04-03. Review status: criteria provided, single submitter. Criteria: GeneDx Variant Classification Process June 2021. Collection method: clinical testing. Allele origin: germline. Affected: yes.
Comment: Nonsense variant predicted to result in protein truncation or nonsense mediated decay in a gene for which loss-of-function is a known mechanism of disease; Not observed in large population cohorts (gnomAD); This variant is associated with the following publications: (PMID: 25525159, 27782177, 31740684, 36082560, 33102977, 33437033, 30586318, 33226606, 30816285, 11012875)